The following is an entry in ClinVar:

ClinVar aggregate classification (germline): Uncertain significance (1 of 4 stars; one submission).

Conditions:
Dilated cardiomyopathy 1J (CMD1J). Also called: CARDIOMYOPATHY, DILATED, WITH SENSORINEURAL HEARING LOSS, AUTOSOMAL DOMINANT. Identifiers: Orphanet 217622, MedGen C1854368, MONDO:0011541, OMIM 605362.

gnomAD v4.1: 1 of 1,613,790 alleles (0.000062%); highest among the groups gnomAD compares: Non-Finnish European, 0.000085%; no homozygotes.

Submission:

Labcorp Genetics (formerly Invitae), Labcorp
Classification: Uncertain significance for Dilated cardiomyopathy 1J. Last evaluated: 2024-12-10. Review status: criteria provided, single submitter. Criteria: Invitae Variant Classification Sherloc (09022015). Collection method: clinical testing. Allele origin: germline.
Comment: This sequence change replaces methionine, which is neutral and non-polar, with valine, which is neutral and non-polar, at codon 589 of the EYA4 protein (p.Met589Val). This variant is not present in population databases (gnomAD no frequency). This variant has not been reported in the literature in individuals affected with EYA4-related conditions. Invitae Evidence Modeling of protein sequence and biophysical properties (such as structural, functional, and spatial information, amino acid conservation, physicochemical variation, residue mobility, and thermodynamic stability) indicates that this missense variant is not expected to disrupt EYA4 protein function with a negative predictive value of 80%. In summary, the available evidence is currently insufficient to determine the role of this variant in disease. Therefore, it has been classified as a Variant of Uncertain Significance.

NM_004100.5(EYA4):c.1765A>G (p.Met589Val)

Genes: TARID (TCF21 antisense RNA inducing promoter demethylation; minus strand), EYA4 (EYA transcriptional coactivator and phosphatase 4; plus strand). Cytogenetic location: 6q23.2.
Variant type: single nucleotide variant.
Coding change: c.1765A>G on transcript NM_004100.5 (MANE Select); coding-DNA position 1765, A replaced by G.
Protein change: p.Met589Val; replaces methionine 589 with valine.
Molecular consequence: missense variant. On other transcripts: intron variant (3).
Genome position (GRCh38, 1-based): chr6:133,525,180, A>G. VCF-style: chr6-133525180-A-G. GRCh37 (hg19) VCF-style: chr6-133846318-A-G.
Other names: c.1783A>G, p.Met595Val (NM_001301013.2); c.1621A>G, p.Met541Val (NM_001370459.1); c.1696A>G, p.Met566Val (NM_172103.4); c.1839+65A>G (NM_172105.4); c.1770+65A>G (NM_001370458.1); c.1677+65A>G (NM_001301012.2); short protein forms M589V, M595V, M541V, M566V.
Identifiers: ClinVar variation 3642241 (VCV003642241.2).